The following is an entry in ClinVar:

NM_000051.4(ATM):c.5896A>G (p.Ser1966Gly)

Genes: ATM (ATM serine/threonine kinase; plus strand), C11orf65 (chromosome 11 open reading frame 65; minus strand). Cytogenetic location: 11q22.3.
Variant type: single nucleotide variant.
Coding change: c.5896A>G on transcript NM_000051.4 (MANE Select); coding-DNA position 5896, A replaced by G.
Protein change: p.Ser1966Gly; replaces serine 1966 with glycine.
Molecular consequence: missense variant. On other transcripts: intron variant (2).
Genome position (GRCh38, 1-based): chr11:108,310,293, A>G. VCF-style: chr11-108310293-A-G. GRCh37 (hg19) VCF-style: chr11-108181020-A-G.
Other names: c.5896A>G, p.Ser1966Gly (NM_001351834.2); c.641-1222T>C (NM_001330368.2); c.*39-1222T>C (NM_001351110.2); short protein forms S1966G.
Identifiers: ClinVar variation 4696577 (VCV004696577.2).

ClinVar aggregate classification (germline): Uncertain significance. Review status: criteria provided, multiple submitters, no conflicts (2 of 4 stars). 2 submissions from 2 submitters: Uncertain significance (2). Last evaluated 2026-08-28.

Conditions:
Ataxia-telangiectasia syndrome (AT). Also called: Ataxia-telangiectasia, complementation group D; AT, COMPLEMENTATION GROUP C; ATAXIA-TELANGIECTASIA, COMPLEMENTATION GROUP A; ATAXIA-TELANGIECTASIA, FRESNO VARIANT; Ataxia-telangiectasia; Ataxia-telangiectasia, complementation group E. Identifiers: Orphanet 100, MedGen C0004135, MONDO:0008840, OMIM 208900.
Hereditary cancer-predisposing syndrome. Also called: Hereditary Cancer Syndrome; Neoplastic Syndromes, Hereditary; Tumor predisposition; Hereditary neoplastic syndrome. Identifiers: Orphanet 140162, MedGen C0027672, MeSH D009386, MONDO:0015356.

Submissions (2):

Ambry Genetics
Classification: Uncertain significance for Hereditary cancer-predisposing syndrome. Last evaluated: 2026-08-28. Review status: criteria provided, single submitter. Criteria: Ambry Variant Classification Scheme 2023. Collection method: clinical testing. Allele origin: germline.
Comment: The p.S1966G variant (also known as c.5896A>G), located in coding exon 38 of the ATM gene, results from an A to G substitution at nucleotide position 5896. The serine at codon 1966 is replaced by glycine, an amino acid with similar properties. This amino acid position is not well conserved in available vertebrate species. In addition, this alteration is predicted to be tolerated by in silico analysis. Based on the available evidence, the clinical significance of this variant remains unclear.

Labcorp Genetics (formerly Invitae), Labcorp
Classification: Uncertain significance for Ataxia-telangiectasia syndrome. Last evaluated: 2025-10-14. Review status: criteria provided, single submitter. Criteria: Invitae Variant Classification Sherloc (09022015). Collection method: clinical testing. Allele origin: germline.
Comment: This sequence change replaces serine, which is neutral and polar, with glycine, which is neutral and non-polar, at codon 1966 of the ATM protein (p.Ser1966Gly). This variant is not present in population databases (gnomAD no frequency). This variant has not been reported in the literature in individuals affected with ATM-related conditions. Invitae Evidence Modeling of protein sequence and biophysical properties (such as structural, functional, and spatial information, amino acid conservation, physicochemical variation, residue mobility, and thermodynamic stability) indicates that this missense variant is not expected to disrupt ATM protein function with a negative predictive value of 95%. Algorithms developed to predict the effect of sequence changes on RNA splicing suggest that this variant may disrupt the consensus splice site. In summary, the available evidence is currently insufficient to determine the role of this variant in disease. Therefore, it has been classified as a Variant of Uncertain Significance.